The following is an entry in ClinVar:

ClinVar aggregate classification (germline): Uncertain significance (1 of 4 stars; one submission).

Conditions:
Cystic fibrosis (CF). Also called: MUCOVISCIDOSIS. Identifiers: Orphanet 586, MedGen C0010674, MONDO:0009061, OMIM 219700. Disease mechanism: loss of function.

Submission:

Ambry Genetics
Classification: Uncertain significance for Cystic fibrosis. Last evaluated: 2025-05-27. Review status: criteria provided, single submitter. Criteria: Ambry Variant Classification Scheme 2023. Collection method: clinical testing. Allele origin: germline.
Comment: The p.R419T variant (also known as c.1256G>C), located in coding exon 10 of the CFTR gene, results from a G to C substitution at nucleotide position 1256. The arginine at codon 419 is replaced by threonine, an amino acid with similar properties. This amino acid position is conserved. In addition, the in silico prediction for this alteration is inconclusive. Based on the available evidence, the clinical significance of this variant remains unclear.

NM_000492.4(CFTR):c.1256G>C (p.Arg419Thr)

Genes: CFTR (CF transmembrane conductance regulator; plus strand), CFTR-AS1 (CFTR antisense RNA 1; minus strand). Cytogenetic location: 7q31.2.
Variant type: single nucleotide variant.
Coding change: c.1256G>C on transcript NM_000492.4 (MANE Select); coding-DNA position 1256, G replaced by C.
Protein change: p.Arg419Thr; replaces arginine 419 with threonine.
Molecular consequence: missense variant.
Genome position (GRCh38, 1-based): chr7:117,548,687, G>C. VCF-style: chr7-117548687-G-C. GRCh37 (hg19) VCF-style: chr7-117188741-G-C.
Other names: short protein forms R419T.
Identifiers: ClinVar variation 4001805 (VCV004001805.1).